The following is an entry in ClinVar:

NM_001365276.2(TNXB):c.6651C>T (p.Pro2217=)

Gene: TNXB (tenascin XB; minus strand). Cytogenetic location: 6p21.33.
Variant type: single nucleotide variant.
Coding change: c.6651C>T on transcript NM_001365276.2 (MANE Select); coding-DNA position 6651, C replaced by T.
Protein change: p.Pro2217=; no amino-acid change (proline 2217 retained).
Molecular consequence: synonymous variant.
Genome position (GRCh38, 1-based): chr6:32,065,011, G>A on the plus strand (C>T on the coding strand, the complement: TNXB is on the minus strand). VCF-style: chr6-32065011-G-A. GRCh37 (hg19) VCF-style: chr6-32032788-G-A.
Other names: c.6651C>T, p.Pro2217= (NM_019105.8).
Identifiers: ClinVar variation 3054548 (VCV003054548.4), dbSNP rs754114569, ClinGen allele CA3734366.

ClinVar aggregate classification (germline): Likely benign. Review status: criteria provided, multiple submitters, no conflicts (2 of 4 stars). 3 submissions from 3 submitters: Likely benign (2). 1 of the submissions does not count toward it. Last evaluated 2025-05-07.

Conditions:
TNXB-related disorder. Also called: TNXB-related condition.
Cardiovascular phenotype. Identifiers: MedGen CN230736.

Allele frequency attached by ClinVar (database versions not stated): gnomAD 0.00001; gnomAD exomes 0.00001; TOPMed 0.00001; ExAC 0.00003; 1000 Genomes Project 30x 0.00031.
gnomAD v4.1: 18 of 1,611,512 alleles (0.0011%); highest among the groups gnomAD compares: African/African-American, 0.0027%; no homozygotes.

Submissions (3):

Women's Health and Genetics/Laboratory Corporation of America, LabCorp
Classification: Likely benign. Last evaluated: 2025-05-07. Review status: criteria provided, single submitter. Criteria: LabCorp Variant Classification Summary - May 2015. Collection method: clinical testing. Allele origin: germline.

Ambry Genetics
Classification: Likely benign for Cardiovascular phenotype. Last evaluated: 2024-06-09. Review status: criteria provided, single submitter. Criteria: Ambry Variant Classification Scheme 2023. Collection method: clinical testing. Allele origin: germline.

PreventionGenetics, part of Exact Sciences
Classification: Likely benign for TNXB-related condition. Last evaluated: 2020-05-07. Review status: no assertion criteria provided. Collection method: clinical testing. Allele origin: germline. Not counted in ClinVar's aggregate classification.
Comment: This variant is classified as likely benign based on ACMG/AMP sequence variant interpretation guidelines (Richards et al. 2015 PMID: 25741868, with internal and published modifications).